The following is an entry in ClinVar:

ClinVar aggregate classification (germline): Uncertain significance (1 of 4 stars; one submission).

Allele frequency attached by ClinVar (database versions not stated): TOPMed below 0.00001; gnomAD 0.00001.
gnomAD v4.1: 20 of 1,612,356 alleles (0.0012%); highest among the groups gnomAD compares: Non-Finnish European, 0.0015%; no homozygotes.

Submission:

Labcorp Genetics (formerly Invitae), Labcorp
Classification: Uncertain significance. Last evaluated: 2022-08-05. Review status: criteria provided, single submitter. Criteria: Invitae Variant Classification Sherloc (09022015). Collection method: clinical testing. Allele origin: germline.
Comment: This sequence change replaces arginine, which is basic and polar, with histidine, which is basic and polar, at codon 1634 of the CACNA1B protein (p.Arg1634His). The frequency data for this variant in the population databases is considered unreliable, as metrics indicate poor data quality at this position in the gnomAD database. This variant has not been reported in the literature in individuals affected with CACNA1B-related conditions. Advanced modeling of protein sequence and biophysical properties (such as structural, functional, and spatial information, amino acid conservation, physicochemical variation, residue mobility, and thermodynamic stability) performed at Invitae indicates that this missense variant is not expected to disrupt CACNA1B protein function. In summary, the available evidence is currently insufficient to determine the role of this variant in disease. Therefore, it has been classified as a Variant of Uncertain Significance.

NM_000718.4(CACNA1B):c.4901G>A (p.Arg1634His)

Gene: CACNA1B (calcium voltage-gated channel subunit alpha1 B; plus strand). Cytogenetic location: 9q34.3.
Variant type: single nucleotide variant.
Coding change: c.4901G>A on transcript NM_000718.4 (MANE Select); coding-DNA position 4901, G replaced by A.
Protein change: p.Arg1634His; replaces arginine 1634 with histidine.
Molecular consequence: missense variant.
Genome position (GRCh38, 1-based): chr9:138,075,862, G>A. VCF-style: chr9-138075862-G-A. GRCh37 (hg19) VCF-style: chr9-140970314-G-A.
Other names: c.4901G>A, p.Arg1634His (NM_001243812.2); short protein forms R1634H.
Identifiers: ClinVar variation 2185619 (VCV002185619.1), dbSNP rs1447287676, ClinGen allele CA375819560.